The following is an entry in ClinVar:

NM_021971.4(GMPPB):c.951+5G>A

Gene: GMPPB (GDP-mannose pyrophosphorylase B; minus strand). Cytogenetic location: 3p21.31.
Variant type: single nucleotide variant.
Coding change: c.951+5G>A on transcript NM_021971.4 (MANE Select); 5 bases into the intron after coding-DNA position 951, G replaced by A.
Molecular consequence: intron variant. On other transcripts: missense variant (1).
Genome position (GRCh38, 1-based): chr3:49,721,960, C>T on the plus strand (G>A on the coding strand, the complement: GMPPB is on the minus strand). VCF-style: chr3-49721960-C-T. GRCh37 (hg19) VCF-style: chr3-49759393-C-T.
Other names: c.956G>A, p.Ser319Asn (NM_013334.4); short protein forms S319N.
Identifiers: ClinVar variation 1722981 (VCV001722981.2), dbSNP rs1171978748, ClinGen allele CA352826711.

ClinVar aggregate classification (germline): Uncertain significance (1 of 4 stars; one submission).

Allele frequency attached by ClinVar (database versions not stated): gnomAD exomes below 0.00001.
gnomAD v4.1: 2 of 1,593,018 alleles (0.00013%); highest among the groups gnomAD compares: African/African-American, 0.0013%; no homozygotes.

Submission:

GeneDx
Classification: Uncertain significance. Last evaluated: 2022-05-04. Review status: criteria provided, single submitter. Criteria: GeneDx Variant Classification Process June 2021. Collection method: clinical testing. Allele origin: germline. Affected: yes.
Comment: Not observed at significant frequency in large population cohorts (gnomAD); In silico analysis supports that this missense variant does not alter protein structure/function; In silico analysis suggests this variant may impact gene splicing. In the absence of RNA/functional studies, the actual effect of this sequence change is unknown.; Has not been previously published as pathogenic or benign to our knowledge